The following is an entry in ClinVar:

NM_182961.4(SYNE1):c.20333G>A (p.Ser6778Asn)

Gene: SYNE1 (spectrin repeat containing nuclear envelope protein 1; minus strand). Cytogenetic location: 6q25.2.
Variant type: single nucleotide variant.
Coding change: c.20333G>A on transcript NM_182961.4 (MANE Select); coding-DNA position 20333, G replaced by A.
Protein change: p.Ser6778Asn; replaces serine 6778 with asparagine.
Molecular consequence: missense variant.
Genome position (GRCh38, 1-based): chr6:152,236,170, C>T on the plus strand (G>A on the coding strand, the complement: SYNE1 is on the minus strand). VCF-style: chr6-152236170-C-T. GRCh37 (hg19) VCF-style: chr6-152557305-C-T.
Other names: c.20120G>A, p.Ser6707Asn (NM_033071.5); short protein forms S6778N, S6707N.
Identifiers: ClinVar variation 4992915 (VCV004992915.1).
Genomic context (GRCh38, chr6:152,236,170, plus strand): 5'-GTCCAGTGTTTCAATATTGTTTCCAGTCTGTGAAGTTCCTTAGACATTTTATTGGTGTTA[C>T]TTAGCCAGCACTCTCCAAGTTGATTTAGTTGGCTTTCTAGATCTGAGCAGCTGATGGATA-3'
Protein context (NP_892006.3, residues 6768-6788): QLNQLGECWL[Ser6778Asn]NTNKMSKELH

ClinVar aggregate classification (germline): Uncertain significance (1 of 4 stars; one submission).

Conditions:
SYNE1-related disorder. Also called: SYNE1-related disease; SYNE1-related condition; SYNE1-related disorders.

gnomAD v4.1: 1 of 1,614,154 alleles (0.000062%); highest among the groups gnomAD compares: Non-Finnish European, 0.000085%; no homozygotes.

Submission:

PreventionGenetics, part of Exact Sciences
Classification: Uncertain significance for SYNE1-related condition. Last evaluated: 2026-09-25. Review status: criteria provided, single submitter. Criteria: ACMG Guidelines, 2015. Collection method: clinical testing. Allele origin: germline.
Comment: The SYNE1 c.20120G>A variant is predicted to result in the amino acid substitution p.Ser6707Asn. To our knowledge, this variant has not been reported in the literature or in a large population database (gnomAD), indicating this variant is rare. At this time, the clinical significance of this variant is uncertain due to the absence of conclusive functional and genetic evidence.